The following is an entry in ClinVar:

NM_003640.5(ELP1):c.385+1G>A

Gene: ELP1 (elongator acetyltransferase complex subunit 1; minus strand). Cytogenetic location: 9q31.3.
Variant type: single nucleotide variant.
Coding change: c.385+1G>A on transcript NM_003640.5 (MANE Select); the canonical splice donor site of the intron after coding-DNA position 385, G replaced by A.
Molecular consequence: splice donor variant.
Genome position (GRCh38, 1-based): chr9:108,927,371, C>T on the plus strand (G>A on the coding strand, the complement: ELP1 is on the minus strand). VCF-style: chr9-108927371-C-T. GRCh37 (hg19) VCF-style: chr9-111689651-C-T.
Other names: c.43+1G>A (NM_001318360.2); c.-475+1G>A (NM_001330749.2); c.385+1G>A (NM_003640.4).
Identifiers: ClinVar variation 558252 (VCV000558252.14), dbSNP rs1554703061, ClinGen allele CA374391654.

ClinVar aggregate classification (germline): Likely pathogenic. Review status: criteria provided, multiple submitters, no conflicts (2 of 4 stars). 3 submissions from 3 submitters: Likely pathogenic (2). 1 of the submissions does not count toward it. Last evaluated 2025-04-30.

Conditions:
Familial dysautonomia. Also called: HSAN III; FD. Identifiers: Orphanet 1764, MedGen C0013364, MONDO:0009131, OMIM 223900. Disease mechanism: loss of function.

Allele frequency attached by ClinVar (database versions not stated): gnomAD exomes below 0.00001.
gnomAD v4.1: 1 of 1,611,976 alleles (0.000062%); highest among the groups gnomAD compares: Non-Finnish European, 0.000085%; no homozygotes.

Submissions (3):

Natera, Inc.
Classification: Likely pathogenic for Familial dysautonomia. Last evaluated: 2025-04-30. Review status: criteria provided, single submitter. Criteria: Natera Variant Classification Schema (03/2026). Collection method: clinical testing. Allele origin: germline.
Comment: The c.385+1G>A variant in ELP1 is a canonical splice donor site variant predicted to affect pre-mRNA splicing, which may result in an abnormal transcript and altered protein product. This variant is expected to result in nonsense mediated decay, truncation, or a dysfunctional protein product. This variant is rare in the general population with a frequency below the threshold expected for the associated phenotype(s). Given the available evidence, this variant is classified as Likely Pathogenic.

Labcorp Genetics (formerly Invitae), Labcorp
Classification: Likely pathogenic. Last evaluated: 2023-12-17. Review status: criteria provided, single submitter. Criteria: Invitae Variant Classification Sherloc (09022015). Collection method: clinical testing. Allele origin: germline.
Comment: This sequence change affects a donor splice site in intron 4 of the ELP1 gene. It is expected to disrupt RNA splicing. Variants that disrupt the donor or acceptor splice site typically lead to a loss of protein function (PMID: 16199547), and loss-of-function variants in ELP1 are known to be pathogenic (PMID: 18303054, 24173031). This variant is not present in population databases (gnomAD no frequency). This variant has not been reported in the literature in individuals affected with ELP1-related conditions. ClinVar contains an entry for this variant (Variation ID: 558252). Algorithms developed to predict the effect of sequence changes on RNA splicing suggest that this variant may disrupt the consensus splice site. In summary, the currently available evidence indicates that the variant is pathogenic, but additional data are needed to prove that conclusively. Therefore, this variant has been classified as Likely Pathogenic.

Counsyl
Classification: Likely pathogenic for Familial dysautonomia. Last evaluated: 2018-05-08. Review status: no assertion criteria provided. Collection method: clinical testing. Allele origin: unknown. Not counted in ClinVar's aggregate classification.

Literature cited by the submitters: PubMed 16199547 (cited by Labcorp Genetics (formerly Invitae), Labcorp); PubMed 18303054 (cited by Labcorp Genetics (formerly Invitae), Labcorp); PubMed 24173031 (cited by Labcorp Genetics (formerly Invitae), Labcorp).